The following is an entry in ClinVar:

NC_000002.11:g.(?_209136244)_(209220029_?)dup

Gene: PIKFYVE (phosphoinositide kinase, FYVE-type zinc finger containing; plus strand). Cytogenetic location: 2q34.
Variant type: Duplication.
Identifiers: ClinVar variation 2426036 (VCV002426036.3).

ClinVar aggregate classification (germline): Uncertain significance (1 of 4 stars; one submission).

Submission:

Labcorp Genetics (formerly Invitae), Labcorp
Classification: Uncertain significance. Last evaluated: 2022-09-30. Review status: criteria provided, single submitter. Criteria: Invitae Variant Classification Sherloc (09022015). Collection method: clinical testing. Allele origin: germline.
Comment: In summary, the available evidence is currently insufficient to determine the role of this variant in disease. Therefore, it has been classified as a Variant of Uncertain Significance. This variant has not been reported in the literature in individuals affected with PIKFYVE-related conditions. A copy number gain of the genomic region encompassing the full coding sequence of the PIKFYVE gene has been identified. The boundaries of this event are unknown as they extend beyond the assayed region for this gene and therefore may encompass additional genes. As the precise location of this event is unknown, it may be in tandem or it may be located elsewhere in the genome.